The following is an entry in ClinVar:

NM_015662.3(IFT172):c.5171G>T (p.Ser1724Ile)

Genes: IFT172 (intraflagellar transport 172; minus strand), KRTCAP3 (keratinocyte associated protein 3; plus strand). Cytogenetic location: 2p23.3.
Variant type: single nucleotide variant.
Coding change: c.5171G>T on transcript NM_015662.3 (MANE Select); coding-DNA position 5171, G replaced by T.
Protein change: p.Ser1724Ile; replaces serine 1724 with isoleucine.
Molecular consequence: missense variant. On other transcripts: intron variant (1).
Genome position (GRCh38, 1-based): chr2:27,444,511, C>A on the plus strand (G>T on the coding strand, the complement: IFT172 is on the minus strand). VCF-style: chr2-27444511-C-A. GRCh37 (hg19) VCF-style: chr2-27667378-C-A.
Other names: c.5105G>T, p.Ser1702Ile (NM_001410739.1); c.*5+450C>A (NM_001168364.2); short protein forms S1702I, S1724I.
Identifiers: ClinVar variation 3353965 (VCV003353965.1).

ClinVar aggregate classification (germline): Uncertain significance (0 of 4 stars; one submission).

Conditions:
IFT172-related disorder. Also called: IFT172-related condition; IFT172-related disorders.

gnomAD v4.1: 1 of 1,613,350 alleles (0.000062%); highest among the groups gnomAD compares: African/African-American, 0.0013%; no homozygotes.

Submission:

PreventionGenetics, part of Exact Sciences
Classification: Uncertain significance for IFT172-related condition. Last evaluated: 2024-09-17. Review status: no assertion criteria provided. Collection method: clinical testing. Allele origin: germline.
Comment: The IFT172 c.5171G>T variant is predicted to result in the amino acid substitution p.Ser1724Ile. To our knowledge, this variant has not been reported in the literature. This variant is reported in 0.0062% of alleles in individuals of African descent in gnomAD. At this time, the clinical significance of this variant is uncertain due to the absence of conclusive functional and genetic evidence.